The following is an entry in ClinVar:

NM_024577.4(SH3TC2):c.1057G>C (p.Gly353Arg)

Gene: SH3TC2 (SH3 domain and tetratricopeptide repeats 2; minus strand). Cytogenetic location: 5q32.
Variant type: single nucleotide variant.
Coding change: c.1057G>C on transcript NM_024577.4 (MANE Select); coding-DNA position 1057, G replaced by C.
Protein change: p.Gly353Arg; replaces glycine 353 with arginine.
Molecular consequence: missense variant.
Genome position (GRCh38, 1-based): chr5:149,031,632, C>G on the plus strand (G>C on the coding strand, the complement: SH3TC2 is on the minus strand). VCF-style: chr5-149031632-C-G. GRCh37 (hg19) VCF-style: chr5-148411195-C-G.
Other names: short protein forms G353R.
Identifiers: ClinVar variation 1438924 (VCV001438924.10), dbSNP rs1299916015, ClinGen allele CA361670390.

ClinVar aggregate classification (germline): Uncertain significance. Review status: criteria provided, multiple submitters, no conflicts (2 of 4 stars). 2 submissions from 2 submitters: Uncertain significance (2). Last evaluated 2021-01-31.

Conditions:
Inborn genetic diseases. Identifiers: MedGen C0950123, MeSH D030342.
Charcot-Marie-Tooth disease type 4. Also called: Charcot-Marie-Tooth disease, type IV; Charcot-Marie-Tooth, Type 4. Identifiers: Orphanet 64749, MedGen C4082197, MONDO:0018995.

Allele frequency attached by ClinVar (database versions not stated): gnomAD exomes below 0.00001.
gnomAD v4.1: 1 of 1,614,060 alleles (0.000062%); highest among the groups gnomAD compares: Non-Finnish European, 0.000085%; no homozygotes.

Submissions (2):

Labcorp Genetics (formerly Invitae), Labcorp
Classification: Uncertain significance for Charcot-Marie-Tooth disease type 4. Last evaluated: 2021-01-31. Review status: criteria provided, single submitter. Criteria: Invitae Variant Classification Sherloc (09022015). Collection method: clinical testing. Allele origin: germline.
Comment: This variant has not been reported in the literature in individuals with SH3TC2-related conditions. This variant is not present in population databases (ExAC no frequency). This sequence change replaces glycine with arginine at codon 353 of the SH3TC2 protein (p.Gly353Arg). The glycine residue is highly conserved and there is a moderate physicochemical difference between glycine and arginine. In summary, the available evidence is currently insufficient to determine the role of this variant in disease. Therefore, it has been classified as a Variant of Uncertain Significance. Advanced modeling of protein sequence and biophysical properties (such as structural, functional, and spatial information, amino acid conservation, physicochemical variation, residue mobility, and thermodynamic stability) performed at Invitae indicates that this missense variant is not expected to disrupt SH3TC2 protein function.

Ambry Genetics
Classification: Uncertain significance for Inborn genetic diseases. Last evaluated: 2020-03-18. Review status: criteria provided, single submitter. Criteria: Ambry Variant Classification Scheme 2023. Collection method: clinical testing. Allele origin: germline.
Comment: The p.G353R variant (also known as c.1057G>C), located in coding exon 9 of the SH3TC2 gene, results from a G to C substitution at nucleotide position 1057. The glycine at codon 353 is replaced by arginine, an amino acid with dissimilar properties. This amino acid position is not well conserved in available vertebrate species. In addition, this alteration is predicted to be tolerated by in silico analysis. Since supporting evidence is limited at this time, the clinical significance of this alteration remains unclear.